The following is an entry in ClinVar:

NM_005359.6(SMAD4):c.566G>A (p.Arg189His)

Gene: SMAD4 (SMAD family member 4; plus strand). Cytogenetic location: 18q21.2.
Variant type: single nucleotide variant.
Coding change: c.566G>A on transcript NM_005359.6 (MANE Select); coding-DNA position 566, G replaced by A.
Protein change: p.Arg189His; replaces arginine 189 with histidine.
Molecular consequence: missense variant.
Genome position (GRCh38, 1-based): chr18:51,054,892, G>A. VCF-style: chr18-51054892-G-A. GRCh37 (hg19) VCF-style: chr18-48581262-G-A.
Other names: short protein forms R189H.
Identifiers: ClinVar variation 460557 (VCV000460557.36), dbSNP rs759288477, ClinGen allele CA8965830.
Genomic context (GRCh38, chr18:51,054,892, plus strand): 5'-AGCCATCGTTGTCCACTGAAGGACATTCAATTCAAACCATCCAGCATCCACCAAGTAATC[G>A]TGCATCGACAGAGACATACAGCACCCCAGCTCTGTTAGCCCCATCTGAGTCTAATGCTAC-3'
Protein context (NP_005350.1, residues 179-199): IQTIQHPPSN[Arg189His]ASTETYSTPA

ClinVar aggregate classification (germline): Conflicting classifications of pathogenicity. Review status: criteria provided, conflicting classifications (1 of 4 stars). 9 submissions from 9 submitters: Uncertain significance (8); Likely benign (1). Last evaluated 2025-12-22.

Conditions:
SMAD4-related disorder. Also called: SMAD4-Related disorders; SMAD4-related condition.
Juvenile polyposis syndrome (JPS). Identifiers: Orphanet 2929, MedGen C0345893, MONDO:0017380, OMIM 174900.
Familial thoracic aortic aneurysm and aortic dissection (TAAD). Also called: Thoracic aortic aneurysms and dissections. Identifiers: Orphanet 91387, MedGen C4707243, MONDO:0019625.
Hereditary cancer-predisposing syndrome. Also called: Tumor predisposition; Hereditary neoplastic syndrome; Neoplastic Syndromes, Hereditary; Hereditary Cancer Syndrome. Identifiers: Orphanet 140162, MedGen C0027672, MeSH D009386, MONDO:0015356.
Myhre syndrome (MYHRS). Also called: LARYNGOTRACHEAL STENOSIS, ARTHROPATHY, PROGNATHISM, AND SHORT STATURE; LAPS SYNDROME. Identifiers: Orphanet 2588, MedGen C0796081, MONDO:0007688, OMIM 139210.
Generalized juvenile polyposis/juvenile polyposis coli. Also called: Juvenile polyposis coli. Identifiers: Orphanet 329971, MedGen C1868081, MONDO:0008276.
Juvenile polyposis/hereditary hemorrhagic telangiectasia syndrome (JPHT). Also called: Juvenile Polyposis Syndrome / Hereditary Hemorrhagic Telangiectasia (JPS/HHT); JP/HHT SYNDROME; JUVENILE POLYPOSIS WITH HEREDITARY HEMORRHAGIC TELANGIECTASIA; POLYPOSIS, GENERALIZED JUVENILE, WITH PULMONARY ARTERIOVENOUS MALFORMATION; TELANGIECTASIA, HEREDITARY HEMORRHAGIC, WITH JUVENILE POLYPOSIS COLI. Identifiers: Orphanet 2929, MedGen C1832942, MONDO:0008278, OMIM 175050.
Carcinoma of pancreas. Also called: PANCREATIC ACINAR CARCINOMA; PANCREATIC CARCINOMA; Pancreatic cancer, somatic; Pancreatic carcinoma, somatic; Exocrine pancreatic carcinoma. Identifiers: Orphanet 1333, Orphanet 217074, MedGen C0235974, MONDO:0005192. Disease mechanism: loss of function.

Allele frequency attached by ClinVar (database versions not stated): gnomAD 0.00001; TOPMed 0.00001; gnomAD exomes 0.00002; ExAC 0.00003.
gnomAD v4.1: 20 of 1,613,888 alleles (0.0012%); highest among the groups gnomAD compares: Non-Finnish European, 0.0016%; no homozygotes.

Submissions (9):

Labcorp Genetics (formerly Invitae), Labcorp
Classification: Uncertain significance for Juvenile polyposis syndrome. Last evaluated: 2025-12-22. Review status: criteria provided, single submitter. Criteria: Invitae Variant Classification Sherloc (09022015). Collection method: clinical testing. Allele origin: germline.
Comment: This sequence change replaces arginine, which is basic and polar, with histidine, which is basic and polar, at codon 189 of the SMAD4 protein (p.Arg189His). This variant is present in population databases (rs759288477, gnomAD 0.004%). This missense change has been observed in individual(s) with colon cancer (PMID: 28135145). ClinVar contains an entry for this variant (Variation ID: 460557). Invitae Evidence Modeling of protein sequence and biophysical properties (such as structural, functional, and spatial information, amino acid conservation, physicochemical variation, residue mobility, and thermodynamic stability) indicates that this missense variant is not expected to disrupt SMAD4 protein function with a negative predictive value of 95%. In summary, the available evidence is currently insufficient to determine the role of this variant in disease. Therefore, it has been classified as a Variant of Uncertain Significance.

PreventionGenetics, part of Exact Sciences
Classification: Uncertain significance for SMAD4-related condition. Last evaluated: 2025-04-26. Review status: criteria provided, single submitter. Criteria: ACMG Guidelines, 2015. Collection method: clinical testing. Allele origin: germline.
Comment: The SMAD4 c.566G>A variant is predicted to result in the amino acid substitution p.Arg189His. This variant was reported as a variant of uncertain significance in an individual with colorectal cancer; the reported individual was also heterozygous for a pathogenic BRCA2 variant (Yurgelun et al. 2017. PubMed ID: 28135145). This variant is reported in 0.0039% of alleles in individuals of European (Non-Finnish) descent in gnomAD. At this time, the clinical significance of this variant is uncertain due to the absence of conclusive functional and genetic evidence.

Center for Genomic Medicine, Rigshospitalet, Copenhagen University Hospital
Classification: Uncertain significance. Last evaluated: 2025-03-04. Review status: criteria provided, single submitter. Criteria: ACMG Guidelines, 2015. Collection method: clinical testing. Allele origin: germline.

All of Us Research Program, National Institutes of Health
Classification: Uncertain significance for Juvenile polyposis/hereditary hemorrhagic telangiectasia syndrome. Last evaluated: 2024-06-11. Review status: criteria provided, single submitter. Criteria: ACMG Guidelines, 2015. Collection method: clinical testing. Allele origin: germline. Inheritance: Autosomal dominant inheritance. Observed: 3 variant alleles, 3 heterozygotes.
Comment: This missense variant replaces arginine with histidine at codon 189 of the SMAD4 protein. Computational prediction suggests that this variant may not impact protein structure and function (internally defined REVEL score threshold <= 0.5, PMID: 27666373). Splice site prediction tools suggest that this variant may not impact RNA splicing. To our knowledge, functional studies have not been performed for this variant. This variant has been reported in individuals affected with colorectal cancer in the literature (PMID: 28135145). This variant has been identified in 5/282872 chromosomes in the general population by the Genome Aggregation Database (gnomAD). The available evidence is insufficient to determine the role of this variant in disease conclusively. Therefore, this variant is classified as a Variant of Uncertain Significance.

This study involves interpretation of variants in research participants for the purpose of population health screening. Participant phenotype was not available at the time of variant classification. Additional details can be found in publication PMID: 35346344, PMCID: PMC8962531

Color Diagnostics, LLC DBA Color Health
Classification: Uncertain significance for Hereditary cancer-predisposing syndrome. Last evaluated: 2023-08-21. Review status: criteria provided, single submitter. Criteria: ACMG Guidelines, 2015. Collection method: clinical testing. Allele origin: germline.
Comment: This missense variant replaces arginine with histidine at codon 189 of the SMAD4 protein. Computational prediction suggests that this variant may not impact protein structure and function (internally defined REVEL score threshold <= 0.5, PMID: 27666373). To our knowledge, functional studies have not been performed for this variant. This variant has been reported in an individual affected with colorectal cancer who also carried a pathogenic variant in the BRCA2 gene (PMID: 28135145). This variant has been identified in 5/282872 chromosomes in the general population by the Genome Aggregation Database (gnomAD). The available evidence is insufficient to determine the role of this variant in disease conclusively. Therefore, this variant is classified as a Variant of Uncertain Significance.

GeneDx
Classification: Uncertain significance. Last evaluated: 2022-09-09. Review status: criteria provided, single submitter. Criteria: GeneDx Variant Classification Process June 2021. Collection method: clinical testing. Allele origin: germline. Affected: yes.
Comment: Not observed at significant frequency in large population cohorts (gnomAD); In silico analysis supports that this missense variant does not alter protein structure/function; Observed in conjunction with a BRCA2 pathogenic variant in an individual with a personal history of colon cancer and CLL and family history of ovarian and hematologic cancers (Yurgelun et al., 2017); This variant is associated with the following publications: (PMID: 28135145)

Ambry Genetics
Classification: Likely benign for Hereditary cancer-predisposing syndrome; Familial thoracic aortic aneurysm and aortic dissection. Last evaluated: 2022-01-04. Review status: criteria provided, single submitter. Criteria: Ambry Variant Classification Scheme 2023. Collection method: clinical testing. Allele origin: germline.

Institute for Clinical Genetics, University Hospital TU Dresden, University Hospital TU Dresden
Classification: Uncertain significance. Last evaluated: 2021-11-03. Review status: criteria provided, single submitter. Criteria: ACMG Guidelines, 2015. Collection method: clinical testing. Allele origin: germline.

Fulgent Genetics
Classification: Uncertain significance for Myhre syndrome; Juvenile polyposis syndrome; Juvenile polyposis/hereditary hemorrhagic telangiectasia syndrome; Familial pancreatic carcinoma. Last evaluated: 2018-10-31. Review status: criteria provided, single submitter. Criteria: ACMG Guidelines, 2015. Collection method: clinical testing. Allele origin: unknown.

Literature cited by the submitters: PubMed 28135145 (cited by 4 submitters).